The following is an entry in ClinVar:

NM_007289.4(MME):c.1730G>A (p.Gly577Asp)

Gene: MME (membrane metalloendopeptidase; plus strand). Cytogenetic location: 3q25.2.
Variant type: single nucleotide variant.
Coding change: c.1730G>A on transcript NM_007289.4 (MANE Select); coding-DNA position 1730, G replaced by A.
Protein change: p.Gly577Asp; replaces glycine 577 with aspartic acid.
Molecular consequence: missense variant.
Genome position (GRCh38, 1-based): chr3:155,166,971, G>A. VCF-style: chr3-155166971-G-A. GRCh37 (hg19) VCF-style: chr3-154884760-G-A.
Other names: c.1730G>A, p.Gly577Asp (NM_000902.5, NM_001354642.2, NM_001354643.1 and 2 more transcripts); short protein forms G577D.
Identifiers: ClinVar variation 1903584 (VCV001903584.6), dbSNP rs371862411, ClinGen allele CA2675611.

ClinVar aggregate classification (germline): Pathogenic/Likely pathogenic. Review status: criteria provided, multiple submitters, no conflicts (2 of 4 stars). 2 submissions from 2 submitters: Pathogenic (1); Likely pathogenic (1). Last evaluated 2025-10-29.

Conditions:
Spinocerebellar ataxia 43 (SCA43). Identifiers: Orphanet 497764, MedGen C4310763, MONDO:0014867, OMIM 617018.

Allele frequency attached by ClinVar (database versions not stated): gnomAD exomes below 0.00001; TOPMed below 0.00001; gnomAD 0.00001; ExAC 0.00002; ESP Exome Variant Server 0.00008.
gnomAD v4.1: 6 of 1,613,628 alleles (0.00037%); highest among the groups gnomAD compares: South Asian, 0.0044%; no homozygotes.

Submissions (2):

Labcorp Genetics (formerly Invitae), Labcorp
Classification: Pathogenic. Last evaluated: 2025-10-29. Review status: criteria provided, single submitter. Criteria: Invitae Variant Classification Sherloc (09022015). Collection method: clinical testing. Allele origin: germline.
Comment: This sequence change replaces glycine, which is neutral and non-polar, with aspartic acid, which is acidic and polar, at codon 577 of the MME protein (p.Gly577Asp). This variant is present in population databases (rs371862411, gnomAD 0.01%). This missense change has been observed in individual(s) with clinical features of MME-related conditions (internal data). In at least one individual the data is consistent with being in trans (on the opposite chromosome) from a pathogenic variant. It has also been observed to segregate with disease in related individuals. ClinVar contains an entry for this variant (Variation ID: 1903584). Invitae Evidence Modeling of protein sequence and biophysical properties (such as structural, functional, and spatial information, amino acid conservation, physicochemical variation, residue mobility, and thermodynamic stability) indicates that this missense variant is expected to disrupt MME protein function with a positive predictive value of 80%. For these reasons, this variant has been classified as Pathogenic.

Department of Pathology and Laboratory Medicine, Sinai Health System
Classification: Likely pathogenic for Spinocerebellar ataxia 43. Last evaluated: 2023-09-12. Review status: criteria provided, single submitter. Criteria: ACMG Guidelines, 2015. Collection method: research. Allele origin: germline.